The following is an entry in ClinVar:

ClinVar aggregate classification (germline): Uncertain significance (1 of 4 stars; one submission).

Submission:

GeneDx
Classification: Uncertain significance. Last evaluated: 2026-04-29. Review status: criteria provided, single submitter. Criteria: GeneDx Variant Classification Process June 2021. Collection method: clinical testing. Allele origin: germline.
Comment: Not observed at significant frequency in large population cohorts (gnomAD); In silico analysis suggests that this missense variant does not alter protein structure/function; Has not been previously published as pathogenic or benign to our knowledge

NM_001470.4(GABBR1):c.2858G>A (p.Gly953Glu)

Gene: GABBR1 (gamma-aminobutyric acid type B receptor subunit 1; minus strand). Cytogenetic location: 6p22.1.
Variant type: single nucleotide variant.
Coding change: c.2858G>A on transcript NM_001470.4 (MANE Select); coding-DNA position 2858, G replaced by A.
Protein change: p.Gly953Glu; replaces glycine 953 with glutamic acid.
Molecular consequence: missense variant.
Genome position (GRCh38, 1-based): chr6:29,603,571, C>T on the plus strand (G>A on the coding strand, the complement: GABBR1 is on the minus strand). VCF-style: chr6-29603571-C-T. GRCh37 (hg19) VCF-style: chr6-29571348-C-T.
Other names: c.2327G>A, p.Gly776Glu (NM_001319053.2); c.2507G>A, p.Gly836Glu (NM_021903.3); c.2672G>A, p.Gly891Glu (NM_021904.4); short protein forms G776E, G836E, G891E, G953E.
Identifiers: ClinVar variation 3392900 (VCV003392900.2).
Genomic context (GRCh38, chr6:29,603,571, plus strand): 5'-CCCCTACTGGCCTGTCCTCCCTCACCCTACCCTCACTTATAAAGCAAATGCACTCGACTC[C>T]CATCACAGCTAAGCCGGTCGGGGGGCTCAGGGGGTCCCCTGGGCAGGCCCCCAGAGGGTT-3'
Protein context (NP_001461.1, residues 943-961): PEPPDRLSCD[Gly953Glu]SRVHLLYK